The following is an entry in ClinVar:

NM_173076.3(ABCA12):c.5127T>C (p.Asp1709=)

Gene: ABCA12 (ATP binding cassette subfamily A member 12; minus strand). Cytogenetic location: 2q35.
Variant type: single nucleotide variant.
Coding change: c.5127T>C on transcript NM_173076.3 (MANE Select); coding-DNA position 5127, T replaced by C.
Protein change: p.Asp1709=; no amino-acid change (aspartic acid 1709 retained).
Molecular consequence: synonymous variant. On other transcripts: non-coding transcript variant (1).
Genome position (GRCh38, 1-based): chr2:214,978,317, A>G on the plus strand (T>C on the coding strand, the complement: ABCA12 is on the minus strand). VCF-style: chr2-214978317-A-G. GRCh37 (hg19) VCF-style: chr2-215843041-A-G.
Other names: c.4173T>C, p.Asp1391= (NM_015657.4); c.5127T>C (NM_173076.2).
Identifiers: ClinVar variation 2672859 (VCV002672859.24), dbSNP rs111356158, ClinGen allele CA2091301.

ClinVar aggregate classification (germline): Likely benign. Review status: criteria provided, single submitter (1 of 4 stars). 2 submissions from 2 submitters: Likely benign (1). 1 of the submissions does not count toward it. Last evaluated 2023-11-01.

Conditions:
ABCA12-related disorder. Also called: ABCA12-related condition.

Allele frequency attached by ClinVar (database versions not stated): gnomAD 0.00019; TOPMed 0.00019; ESP Exome Variant Server 0.00054.
gnomAD v4.1: 387 of 1,613,880 alleles (0.024%); highest among the groups gnomAD compares: South Asian, 0.04%; 1 homozygote.

Submissions (2):

CeGaT Center for Human Genetics Tuebingen
Classification: Likely benign. Last evaluated: 2023-11-01. Review status: criteria provided, single submitter. Criteria: CeGaT Center For Human Genetics Tuebingen Variant Classification Criteria Version 2. Collection method: clinical testing. Allele origin: germline. Affected: yes. Observed: 1 variant allele.
Comment: ABCA12: BP4, BP7

PreventionGenetics, part of Exact Sciences
Classification: Likely benign for ABCA12-related condition. Last evaluated: 2024-07-24. Review status: no assertion criteria provided. Collection method: clinical testing. Allele origin: germline. Not counted in ClinVar's aggregate classification.
Comment: This variant is classified as likely benign based on ACMG/AMP sequence variant interpretation guidelines (Richards et al. 2015 PMID: 25741868, with internal and published modifications).